The following is an entry in ClinVar:

NM_001135649.3(FOXI3):c.549G>C (p.Gln183His)

Gene: FOXI3 (forkhead box I3; minus strand). Cytogenetic location: 2p11.2.
Variant type: single nucleotide variant.
Coding change: c.549G>C on transcript NM_001135649.3 (MANE Select); coding-DNA position 549, G replaced by C.
Protein change: p.Gln183His; replaces glutamine 183 with histidine.
Molecular consequence: missense variant.
Genome position (GRCh38, 1-based): chr2:88,451,987, C>G on the plus strand (G>C on the coding strand, the complement: FOXI3 is on the minus strand). VCF-style: chr2-88451987-C-G. GRCh37 (hg19) VCF-style: chr2-88751506-C-G.
Other names: short protein forms Q183H.
Identifiers: ClinVar variation 3001108 (VCV003001108.3), dbSNP rs1208571570, ClinGen allele CA347766099.

ClinVar aggregate classification (germline): Uncertain significance (1 of 4 stars; one submission).

Allele frequency attached by ClinVar (database versions not stated): gnomAD exomes 0.00001.
gnomAD v4.1: 14 of 1,612,452 alleles (0.00087%); highest among the groups gnomAD compares: Non-Finnish European, 0.0012%; no homozygotes.

Submission:

Labcorp Genetics (formerly Invitae), Labcorp
Classification: Uncertain significance. Last evaluated: 2023-08-17. Review status: criteria provided, single submitter. Criteria: Invitae Variant Classification Sherloc (09022015). Collection method: clinical testing. Allele origin: germline.
Comment: In summary, the available evidence is currently insufficient to determine the role of this variant in disease. Therefore, it has been classified as a Variant of Uncertain Significance. This sequence change replaces glutamine, which is neutral and polar, with histidine, which is basic and polar, at codon 183 of the FOXI3 protein (p.Gln183His). This variant is present in population databases (no rsID available, gnomAD 0.0009%). This variant has not been reported in the literature in individuals affected with FOXI3-related conditions. Experimental studies and prediction algorithms are not available or were not evaluated, and the functional significance of this variant is currently unknown.